The following is an entry in ClinVar:

NM_018942.3(HMX1):c.691_692dup (p.Glu232fs)

Gene: HMX1 (H6 family homeobox 1; minus strand). Cytogenetic location: 4p16.1.
Variant type: Microsatellite.
Coding change: c.691_692dup on transcript NM_018942.3 (MANE Select); coding-DNA positions 691 to 692, 2 bases duplicated (GC; older notation c.691_692dupGC).
Protein change: p.Glu232fs; shifts the reading frame from glutamic acid 232.
Molecular consequence: frameshift variant. On other transcripts: intron variant (1).
Genome position (GRCh38, 1-based): chr4:8,868,048-8,868,049, GC duplicated on the plus strand (GC on the coding strand, the reverse complement: HMX1 is on the minus strand); duplicating any 2 consecutive bases within chr4:8,868,048-8,868,051 gives the same sequence; the c. name uses the placement nearest the transcript's 3' end. VCF-style (leftmost placement, unchanged base first): chr4-8868047-G-GGC. GRCh37 (hg19) VCF-style: chr4-8869773-G-GGC.
Other names: c.394+3170GC[3] (NM_001306142.2); c.691_692dupGC (NM_018942.3); short protein forms E232fs.
Identifiers: ClinVar variation 2628024 (VCV002628024.2), dbSNP rs2474393026, ClinGen allele CA2695199364.

ClinVar aggregate classification (germline): Pathogenic (1 of 4 stars; one submission).

Conditions:
Isolated microphthalmia 6. Also called: MICROPHTHALMIA, POSTERIOR NONSYNDROMIC. Identifiers: Orphanet 2542, MedGen C3150757, MONDO:0013293, OMIM 613517.

Submission:

DBGen Ocular Genomics
Classification: Pathogenic for Isolated microphthalmia 6. Last evaluated: 2021-01-01. Review status: criteria provided, single submitter. Criteria: ACMG Guidelines, 2015. Collection method: clinical testing. Allele origin: inherited. Inheritance: Autosomal recessive inheritance. Affected: yes.
Comment: Class 5 ACMG Guidelines, 2015 (PMID:25741868)